The following is an entry in ClinVar:

NM_002860.4(ALDH18A1):c.83G>C (p.Arg28Thr)

Gene: ALDH18A1 (aldehyde dehydrogenase 18 family member A1; minus strand). Cytogenetic location: 10q24.1.
Variant type: single nucleotide variant.
Coding change: c.83G>C on transcript NM_002860.4 (MANE Select); coding-DNA position 83, G replaced by C.
Protein change: p.Arg28Thr; replaces arginine 28 with threonine.
Molecular consequence: missense variant. On other transcripts: 5 prime UTR variant (4).
Genome position (GRCh38, 1-based): chr10:95,653,295, C>G on the plus strand (G>C on the coding strand, the complement: ALDH18A1 is on the minus strand). VCF-style: chr10-95653295-C-G. GRCh37 (hg19) VCF-style: chr10-97413052-C-G.
Other names: c.83G>C, p.Arg28Thr (NM_001017423.2, NM_001323413.2, NM_001323414.2 and 2 more transcripts); c.-36G>C (NM_001323412.2, NM_001323416.2, NM_001323418.2); c.-84G>C (NM_001323419.2); short protein forms R28T.
Identifiers: ClinVar variation 2662732 (VCV002662732.1), dbSNP rs2492634590, ClinGen allele CA377710405.

ClinVar aggregate classification (germline): Uncertain significance (1 of 4 stars; one submission).

Allele frequency attached by ClinVar (database versions not stated): gnomAD exomes below 0.00001.
gnomAD v4.1: 2 of 1,611,966 alleles (0.00012%); highest among the groups gnomAD compares: Non-Finnish European, 0.00017%; no homozygotes.

Submission:

GeneDx
Classification: Uncertain significance. Last evaluated: 2023-04-29. Review status: criteria provided, single submitter. Criteria: GeneDx Variant Classification Process June 2021. Collection method: clinical testing. Allele origin: germline. Affected: yes.
Comment: Not observed at significant frequency in large population cohorts (gnomAD); In silico analysis supports that this missense variant does not alter protein structure/function; Has not been previously published as pathogenic or benign to our knowledge